The following is an entry in ClinVar:

NM_001083962.2(TCF4):c.358G>T (p.Gly120Cys)

Gene: TCF4 (transcription factor 4; minus strand). Cytogenetic location: 18q21.2.
Variant type: single nucleotide variant.
Coding change: c.358G>T on transcript NM_001083962.2 (MANE Select); coding-DNA position 358, G replaced by T.
Protein change: p.Gly120Cys; replaces glycine 120 with cysteine.
Molecular consequence: missense variant. On other transcripts: 5 prime UTR variant (3).
Genome position (GRCh38, 1-based): chr18:55,403,465, C>A on the plus strand (G>T on the coding strand, the complement: TCF4 is on the minus strand). VCF-style: chr18-55403465-C-A. GRCh37 (hg19) VCF-style: chr18-53070696-C-A.
Other names: c.664G>T, p.Gly222Cys (NM_001243226.3); c.286G>T, p.Gly96Cys (NM_001243227.2, NM_001306207.1, NM_001348217.1 and 15 more transcripts); c.358G>T, p.Gly120Cys (NM_001243228.2, NM_001330604.3, NM_001369567.1 and 8 more transcripts); c.352G>T, p.Gly118Cys (NM_001243230.2); c.232G>T, p.Gly78Cys (NM_001243231.2, NM_001348211.2); c.148G>T, p.Gly50Cys (NM_001243232.1, NM_001306208.1); c.-33G>T (NM_001243233.2, NM_001348213.2); c.-30G>T (NM_001348212.2); short protein forms G222C, G118C, G50C, G96C, G120C, G78C.
Identifiers: ClinVar variation 641254 (VCV000641254.8), dbSNP rs1603448353, ClinGen allele CA402702818.

ClinVar aggregate classification (germline): Uncertain significance (1 of 4 stars; one submission).

Conditions:
Pitt-Hopkins syndrome (PTHS). Also called: MENTAL RETARDATION, SYNDROMAL, WITH INTERMITTENT HYPERVENTILATION; ENCEPHALOPATHY, SEVERE EPILEPTIC, WITH AUTONOMIC DYSFUNCTION. Identifiers: Orphanet 2896, MedGen C1970431, MONDO:0012589, OMIM 610954.

gnomAD v4.1: 1 of 1,613,774 alleles (0.000062%); highest among the groups gnomAD compares: Non-Finnish European, 0.000085%; no homozygotes.

Submission:

Labcorp Genetics (formerly Invitae), Labcorp
Classification: Uncertain significance for Pitt-Hopkins syndrome. Last evaluated: 2023-08-24. Review status: criteria provided, single submitter. Criteria: Invitae Variant Classification Sherloc (09022015). Collection method: clinical testing. Allele origin: germline.
Comment: In summary, the available evidence is currently insufficient to determine the role of this variant in disease. Therefore, it has been classified as a Variant of Uncertain Significance. Advanced modeling of protein sequence and biophysical properties (such as structural, functional, and spatial information, amino acid conservation, physicochemical variation, residue mobility, and thermodynamic stability) performed at Invitae indicates that this missense variant is not expected to disrupt TCF4 protein function. ClinVar contains an entry for this variant (Variation ID: 641254). This variant has not been reported in the literature in individuals affected with TCF4-related conditions. This variant is not present in population databases (gnomAD no frequency). This sequence change replaces glycine, which is neutral and non-polar, with cysteine, which is neutral and slightly polar, at codon 120 of the TCF4 protein (p.Gly120Cys).